The following is an entry in ClinVar:

NM_004727.3(SLC24A1):c.963G>A (p.Gly321=)

Gene: SLC24A1 (solute carrier family 24 member 1; plus strand). Cytogenetic location: 15q22.31.
Variant type: single nucleotide variant.
Coding change: c.963G>A on transcript NM_004727.3 (MANE Select); coding-DNA position 963, G replaced by A.
Protein change: p.Gly321=; no amino-acid change (glycine 321 retained).
Molecular consequence: synonymous variant.
Genome position (GRCh38, 1-based): chr15:65,625,043, G>A. VCF-style: chr15-65625043-G-A. GRCh37 (hg19) VCF-style: chr15-65917381-G-A.
Other names: c.963G>A, p.Gly321= (NM_001301031.1, NM_001301032.1, NM_001301033.2); c.963G>A (NM_004727.2).
Identifiers: ClinVar variation 1542206 (VCV001542206.9), dbSNP rs371569261, ClinGen allele CA7619831.

ClinVar aggregate classification (germline): Likely benign. Review status: criteria provided, multiple submitters, no conflicts (2 of 4 stars). 2 submissions from 2 submitters: Likely benign (2). Last evaluated 2025-03-14.

Conditions:
SLC24A1-related disorder. Also called: SLC24A1-related condition.

Allele frequency attached by ClinVar (database versions not stated): gnomAD exomes 0.00001 and 0.00004; ExAC 0.00003; ESP Exome Variant Server 0.00008; TOPMed 0.00010; gnomAD 0.00011 and 0.00012; 1000 Genomes Project 0.00020; 1000 Genomes Project 30x 0.00031.
gnomAD v4.1: 30 of 1,613,702 alleles (0.0019%); highest among the groups gnomAD compares: African/African-American, 0.037%; no homozygotes.

Submissions (2):

PreventionGenetics, part of Exact Sciences
Classification: Likely benign for SLC24A1-related condition. Last evaluated: 2025-03-14. Review status: criteria provided, single submitter. Criteria: ACMG Guidelines, 2015. Collection method: clinical testing. Allele origin: germline.
Comment: This variant is classified as likely benign based on ACMG/AMP sequence variant interpretation guidelines (Richards et al. 2015 PMID: 25741868, with internal and published modifications).

Labcorp Genetics (formerly Invitae), Labcorp
Classification: Likely benign. Last evaluated: 2025-02-24. Review status: criteria provided, single submitter. Criteria: Invitae Variant Classification Sherloc (09022015). Collection method: clinical testing. Allele origin: germline.